The following is an entry in ClinVar:

NM_000368.5(TSC1):c.3100G>C (p.Gly1034Arg)

Gene: TSC1 (TSC complex subunit 1; minus strand). Cytogenetic location: 9q34.13.
Variant type: single nucleotide variant.
Coding change: c.3100G>C on transcript NM_000368.5 (MANE Select); coding-DNA position 3100, G replaced by C.
Protein change: p.Gly1034Arg; replaces glycine 1034 with arginine.
Molecular consequence: missense variant. On other transcripts: non-coding transcript variant (5).
Genome position (GRCh38, 1-based): chr9:132,896,630, C>G on the plus strand (G>C on the coding strand, the complement: TSC1 is on the minus strand). VCF-style: chr9-132896630-C-G. GRCh37 (hg19) VCF-style: chr9-135772017-C-G.
Other names: c.3058G>C, p.Gly1020Arg (NM_001406606.1, NM_001406607.1, NM_001406605.1); c.3055G>C, p.Gly1019Arg (NM_001406608.1, NM_001406609.1); c.2947G>C, p.Gly983Arg (NM_001406610.1, NM_001162427.2); c.2944G>C, p.Gly982Arg (NM_001406611.1, NM_001406612.1); c.2902G>C, p.Gly968Arg (NM_001406613.1); c.2737G>C, p.Gly913Arg (NM_001406614.1, NM_001406615.1, NM_001406616.1 and 4 more transcripts); c.2734G>C, p.Gly912Arg (NM_001406620.1, NM_001406621.1, NM_001406622.1 and 1 more transcripts); c.3097G>C, p.Gly1033Arg (NM_001162426.2, NM_001406597.1, NM_001406598.1 and 2 more transcripts); and 8 more; short protein forms G1029R, G912R, G983R, G1019R, G717R, G968R, G1020R, G1028R.
Identifiers: ClinVar variation 3003689 (VCV003003689.3), dbSNP rs2131609730, ClinGen allele CA375367449.

ClinVar aggregate classification (germline): Uncertain significance (1 of 4 stars; one submission).

Conditions:
Tuberous sclerosis 1 (TSC1). Identifiers: Orphanet 805, MedGen C1854465, MONDO:0008612, OMIM 191100.

Submission:

Labcorp Genetics (formerly Invitae), Labcorp
Classification: Uncertain significance for Tuberous sclerosis 1. Last evaluated: 2023-04-24. Review status: criteria provided, single submitter. Criteria: Invitae Variant Classification Sherloc (09022015). Collection method: clinical testing. Allele origin: germline.
Comment: In summary, the available evidence is currently insufficient to determine the role of this variant in disease. Therefore, it has been classified as a Variant of Uncertain Significance. An algorithm developed to predict the effect of missense changes on protein structure and function (PolyPhen-2) suggests that this variant is likely to be tolerated. This variant has not been reported in the literature in individuals affected with TSC1-related conditions. This variant is not present in population databases (gnomAD no frequency). This sequence change replaces glycine, which is neutral and non-polar, with arginine, which is basic and polar, at codon 1034 of the TSC1 protein (p.Gly1034Arg).